The following is an entry in ClinVar:

NM_138694.4(PKHD1):c.4304G>C (p.Ser1435Thr)

Gene: PKHD1 (PKHD1 ciliary IPT domain containing fibrocystin/polyductin; minus strand). Cytogenetic location: 6p12.2.
Variant type: single nucleotide variant.
Coding change: c.4304G>C on transcript NM_138694.4 (MANE Select); coding-DNA position 4304, G replaced by C.
Protein change: p.Ser1435Thr; replaces serine 1435 with threonine.
Molecular consequence: missense variant.
Genome position (GRCh38, 1-based): chr6:52,025,506, C>G on the plus strand (G>C on the coding strand, the complement: PKHD1 is on the minus strand). VCF-style: chr6-52025506-C-G. GRCh37 (hg19) VCF-style: chr6-51890304-C-G.
Other names: c.4304G>C, p.Ser1435Thr (NM_170724.3); short protein forms S1435T.
Identifiers: ClinVar variation 96402 (VCV000096402.27), dbSNP rs138242579, ClinGen allele CA224075.

ClinVar aggregate classification (germline): Conflicting classifications of pathogenicity. Review status: criteria provided, conflicting classifications (1 of 4 stars). 10 submissions from 10 submitters: Uncertain significance (7); Likely benign (2). 1 of the submissions does not count toward it. Last evaluated 2026-05-07.

Conditions:
PKHD1-related disorder. Also called: PKHD1-related condition.
Polycystic kidney disease 4 (PKD4). Also called: POLYCYSTIC KIDNEY AND HEPATIC DISEASE 1; POLYCYSTIC KIDNEY DISEASE, INFANTILE, TYPE I; POLYCYSTIC KIDNEY DISEASE 4 WITH OR WITHOUT POLYCYSTIC LIVER DISEASE; Autosomal Recessive Polycystic Kidney Disease – PKHD1; PKD3. Identifiers: MedGen C4540575, MONDO:0033004, OMIM 263200.
Inborn genetic diseases. Identifiers: MedGen C0950123, MeSH D030342.
Autosomal recessive polycystic kidney disease (ARPKD). Also called: AR polycystic kidney disease. Identifiers: Orphanet 731, Orphanet 8378, MedGen C0085548, MeSH D017044, MONDO:0009889.

Allele frequency attached by ClinVar (database versions not stated): gnomAD 0.00011 and 0.00013; TOPMed 0.00014; gnomAD exomes 0.00017; 1000 Genomes Project 30x 0.00031; ESP Exome Variant Server 0.00008; ExAC 0.00016; 1000 Genomes Project 0.00020.
gnomAD v4.1: 236 of 1,613,772 alleles (0.015%); highest among the groups gnomAD compares: Middle Eastern, 0.28%; 1 homozygote.

Submissions (10):

PreventionGenetics, part of Exact Sciences
Classification: Uncertain significance for PKHD1-related condition. Last evaluated: 2026-05-07. Review status: criteria provided, single submitter. Criteria: ACMG Guidelines, 2015. Collection method: clinical testing. Allele origin: germline.
Comment: The PKHD1 c.4304G>C variant is predicted to result in the amino acid substitution p.Ser1435Thr. To our knowledge, this variant has not been reported in the literature. At PreventionGenetics, this variant has been noted in the heterozygous state in an individual being tested for polycystic kidney disease, confirmed in cis with another PKHD1 variant of uncertain significance in a proband being tested for cholestasis and proband's unaffected parent, and has been noted in combination with another PKHD1 variant of uncertain significance in another individual tested for cholestasis. This variant is reported in 0.021% of alleles in individuals of European (non-Finnish) descent in gnomAD. However, in gnomAD v4 (available only on GRCh38), this variant is reported in 0.28% of alleles in a Middle Eastern subpopulation, and one homozygote was reported in the South Asian subpopulation. This population data is not consistent with this variant being a primary cause of disease. At this time, the clinical significance of this variant is uncertain due to the absence of conclusive functional and genetic evidence.

Myriad Genetics, Inc.
Classification: Uncertain significance for Polycystic kidney disease 4. Last evaluated: 2026-03-13. Review status: criteria provided, single submitter. Criteria: Myriad Autosomal Dominant, Autosomal Recessive and X-Linked Classification Criteria (2023). Collection method: clinical testing. Allele origin: unknown.
Comment: NM_138694.3(PKHD1):c.4304G>C(S1435T) is a missense variant classified as a variant of uncertain significance in the context of autosomal recessive polycystic kidney disease, PKHD1-related. S1435T has been observed in cases with relevant disease (PMID: 39473742, 41751613). Relevant functional assessments of this variant are not available in the literature. S1435T has been observed in referenced population frequency databases. In summary, there is insufficient evidence to classify NM_138694.3(PKHD1):c.4304G>C(S1435T) as pathogenic or benign. Please note: this variant was assessed in the context of healthy population screening.

Labcorp Genetics (formerly Invitae), Labcorp
Classification: Likely benign for Autosomal recessive polycystic kidney disease. Last evaluated: 2026-01-13. Review status: criteria provided, single submitter. Criteria: Invitae Variant Classification Sherloc (09022015). Collection method: clinical testing. Allele origin: germline.

Blueprint Genetics
Classification: Uncertain significance. Last evaluated: 2024-11-21. Review status: criteria provided, single submitter. Criteria: ACMG Guidelines, 2015. Collection method: clinical testing. Allele origin: germline.

Fulgent Genetics
Classification: Likely benign for Polycystic kidney disease 4. Last evaluated: 2024-05-23. Review status: criteria provided, single submitter. Criteria: ACMG Guidelines, 2015. Collection method: clinical testing. Allele origin: germline.

Ambry Genetics
Classification: Uncertain significance for Inborn genetic diseases. Last evaluated: 2021-08-02. Review status: criteria provided, single submitter. Criteria: Ambry Variant Classification Scheme 2023. Collection method: clinical testing. Allele origin: germline.

Genome-Nilou Lab
Classification: Uncertain significance for Polycystic kidney disease 4. Last evaluated: 2021-07-22. Review status: criteria provided, single submitter. Criteria: ACMG Guidelines, 2015. Collection method: clinical testing. Allele origin: germline. Affected: no.

Eurofins Ntd Llc (ga)
Classification: Uncertain significance. Last evaluated: 2018-08-07. Review status: criteria provided, single submitter. Criteria: EGL ClinVar v180209 classification definitions. Collection method: clinical testing. Allele origin: germline. Observed: 13 variant alleles, 13 heterozygotes.

Illumina Laboratory Services, Illumina
Classification: Uncertain significance for Polycystic kidney disease 4. Last evaluated: 2018-01-13. Review status: criteria provided, single submitter. Criteria: ICSL Variant Classification Criteria 13 December 2019. Collection method: clinical testing. Allele origin: germline.

Department of Pathology and Laboratory Medicine, Sinai Health System
Classification: Uncertain significance. Review status: no assertion criteria provided. Collection method: clinical testing. Allele origin: unknown. Affected: yes. Study: The Canadian Open Genetics Repository (COGR). Not counted in ClinVar's aggregate classification.

Literature cited by the submitters: PubMed 39473742 (cited by Myriad Genetics, Inc.); PubMed 41751613 (cited by Myriad Genetics, Inc.).